The following is an entry in ClinVar:

NM_005245.4(FAT1):c.2265T>G (p.Ala755=)

Gene: FAT1 (FAT atypical cadherin 1; minus strand). Cytogenetic location: 4q35.2.
Variant type: single nucleotide variant.
Coding change: c.2265T>G on transcript NM_005245.4 (MANE Select); coding-DNA position 2265, T replaced by G.
Protein change: p.Ala755=; no amino-acid change (alanine 755 retained).
Molecular consequence: synonymous variant.
Genome position (GRCh38, 1-based): chr4:186,707,563, A>C on the plus strand (T>G on the coding strand, the complement: FAT1 is on the minus strand). VCF-style: chr4-186707563-A-C. GRCh37 (hg19) VCF-style: chr4-187628717-A-C.
Other names: c.2265T>G, p.Ala755= (NM_001440455.1, NM_001440456.1, NM_001440457.1).
Identifiers: ClinVar variation 4993312 (VCV004993312.1).

ClinVar aggregate classification (germline): Likely benign (1 of 4 stars; one submission).

Conditions:
FAT1-related disorder. Also called: FAT1-related condition.

Submission:

PreventionGenetics, part of Exact Sciences
Classification: Likely benign for FAT1-related condition. Last evaluated: 2026-01-22. Review status: criteria provided, single submitter. Criteria: ACMG Guidelines, 2015. Collection method: clinical testing. Allele origin: germline.
Comment: This variant is classified as likely benign based on ACMG/AMP sequence variant interpretation guidelines (Richards et al. 2015 PMID: 25741868, with internal and published modifications).